The following is an entry in ClinVar:

NM_207361.6(FREM2):c.9244C>T (p.Arg3082Cys)

Gene: FREM2 (FRAS1 related extracellular matrix 2; plus strand). Cytogenetic location: 13q13.3.
Variant type: single nucleotide variant.
Coding change: c.9244C>T on transcript NM_207361.6 (MANE Select); coding-DNA position 9244, C replaced by T.
Protein change: p.Arg3082Cys; replaces arginine 3082 with cysteine.
Molecular consequence: missense variant.
Genome position (GRCh38, 1-based): chr13:38,880,521, C>T. VCF-style: chr13-38880521-C-T. GRCh37 (hg19) VCF-style: chr13-39454658-C-T.
Other names: short protein forms R3082C.
Identifiers: ClinVar variation 2591515 (VCV002591515.4), dbSNP rs375203975, ClinGen allele CA6956343.
Genomic context (GRCh38, chr13:38,880,521, plus strand): 5'-GCATGGGAGATTGGTGCTGAAAACAGTCGAGGAACAAACATCCAGCACATTGCCCTGGAC[C>T]GCACCAAGAGGCAGATCCCCCATGGGAGAGCACCTCCAGATGGCATCCTCCCCTGGGAGC-3'
Protein context (NP_997244.4, residues 3072-3092): GTNIQHIALD[Arg3082Cys]TKRQIPHGRA

ClinVar aggregate classification (germline): Uncertain significance. Review status: criteria provided, multiple submitters, no conflicts (2 of 4 stars). 2 submissions from 2 submitters: Uncertain significance (2). Last evaluated 2026-01-04.

Conditions:
Inborn genetic diseases. Identifiers: MedGen C0950123, MeSH D030342.

Allele frequency attached by ClinVar (database versions not stated): gnomAD 0.00002; ExAC 0.00003; gnomAD exomes 0.00003; TOPMed 0.00005; ESP Exome Variant Server 0.00008.

Submissions (2):

Labcorp Genetics (formerly Invitae), Labcorp
Classification: Uncertain significance. Last evaluated: 2026-01-04. Review status: criteria provided, single submitter. Criteria: Invitae Variant Classification Sherloc (09022015). Collection method: clinical testing. Allele origin: germline.
Comment: This sequence change replaces arginine, which is basic and polar, with cysteine, which is neutral and slightly polar, at codon 3082 of the FREM2 protein (p.Arg3082Cys). This variant is present in population databases (rs375203975, gnomAD 0.01%). This variant has not been reported in the literature in individuals affected with FREM2-related conditions. ClinVar contains an entry for this variant (Variation ID: 2591515). Invitae Evidence Modeling of protein sequence and biophysical properties (such as structural, functional, and spatial information, amino acid conservation, physicochemical variation, residue mobility, and thermodynamic stability) indicates that this missense variant is expected to disrupt FREM2 protein function with a positive predictive value of 80%. In summary, the available evidence is currently insufficient to determine the role of this variant in disease. Therefore, it has been classified as a Variant of Uncertain Significance.

Ambry Genetics
Classification: Uncertain significance for Inborn genetic diseases. Last evaluated: 2025-10-18. Review status: criteria provided, single submitter. Criteria: Ambry Variant Classification Scheme 2023. Collection method: clinical testing. Allele origin: germline.